The following is an entry in ClinVar:

NM_000540.3(RYR1):c.5487del (p.Val1830fs)

Gene: RYR1 (ryanodine receptor 1; plus strand). Cytogenetic location: 19q13.2.
Variant type: Deletion.
Coding change: c.5487del on transcript NM_000540.3 (MANE Select); coding-DNA position 5487, one base deleted (C; older notation c.5487delC).
Protein change: p.Val1830fs; shifts the reading frame from valine 1830.
Molecular consequence: frameshift variant.
Genome position (GRCh38, 1-based): chr19:38,486,142, C deleted; the last of 4 consecutive C bases (chr19:38,486,139-38,486,142); deleting any one gives the same sequence. VCF-style (leftmost placement, unchanged base first): chr19-38486138-AC-A. GRCh37 (hg19) VCF-style: chr19-38976778-AC-A.
Other names: c.5487del, p.Val1830fs (NM_001042723.2); short protein forms V1830fs.
Identifiers: ClinVar variation 1386032 (VCV001386032.8), dbSNP rs887506743, ClinGen allele CA308093936.

ClinVar aggregate classification (germline): Conflicting classifications of pathogenicity. Review status: criteria provided, conflicting classifications (1 of 4 stars). 2 submissions from 2 submitters: Pathogenic (1); Uncertain significance (1). Last evaluated 2025-06-24.

Conditions:
Malignant hyperthermia, susceptibility to, 1 (MHS1). Also called: RYR1-Related Malignant Hyperthermia Susceptibility; Anesthesia related hyperthermia; Malignant hyperpyrexia; Fulminating hyperpyrexia; Pharmacogenic myopathy; Malignant hyperthermia suceptibility 1. Identifiers: Orphanet 423, MedGen C2930980, MONDO:0007783, OMIM 145600.
RYR1-related disorder. Also called: RYR1-related disorders; RYR1-related condition. Identifiers: MedGen CN239331.

Submissions (2):

Labcorp Genetics (formerly Invitae), Labcorp
Classification: Pathogenic for RYR1-related disorder. Last evaluated: 2025-06-24. Review status: criteria provided, single submitter. Criteria: Invitae Variant Classification Sherloc (09022015). Collection method: clinical testing. Allele origin: germline.
Comment: This sequence change creates a premature translational stop signal (p.Val1830Serfs*21) in the RYR1 gene. It is expected to result in an absent or disrupted protein product. Loss-of-function variants in RYR1 are known to be pathogenic (PMID: 23919265, 25960145, 28818389, 30611313). This variant is not present in population databases (gnomAD no frequency). This variant has not been reported in the literature in individuals affected with RYR1-related conditions. ClinVar contains an entry for this variant (Variation ID: 1386032). For these reasons, this variant has been classified as Pathogenic.

All of Us Research Program, National Institutes of Health
Classification: Uncertain significance for Malignant hyperthermia, susceptibility to, 1. Last evaluated: 2024-08-13. Review status: criteria provided, single submitter. Criteria: ACMG Guidelines, 2015. Collection method: clinical testing. Allele origin: germline. Inheritance: Autosomal dominant inheritance. Observed: 2 variant alleles, 2 heterozygotes.
Comment: This variant deletes 1 nucleotide in exon 34 of the RYR1 gene, creating a frameshift and premature translation stop signal. This variant is expected to result in an absent or non-functional protein product. To our knowledge, this variant has not been reported in individuals affected with RYR1-related disorders in the literature. This variant has not been identified in the general population by the Genome Aggregation Database (gnomAD). Loss of RYR1 function due to truncation variants is not an established disease mechanism for autosomal dominant malignant hyperthermia, although it is associated with other phenotype(s) (ClinVar Variation ID: 1386032). Due to insufficient evidence, this variant is classified as a Variant of Uncertain Significance for autosomal dominant malignant hyperthermia.

This study involves interpretation of variants in research participants for the purpose of population health screening. Participant phenotype was not available at the time of variant classification. Additional details can be found in publication PMID: 35346344, PMCID: PMC8962531

Literature cited by the submitters: PubMed 23919265 (cited by Labcorp Genetics (formerly Invitae), Labcorp); PubMed 25960145 (cited by Labcorp Genetics (formerly Invitae), Labcorp); PubMed 28818389 (cited by Labcorp Genetics (formerly Invitae), Labcorp); PubMed 30611313 (cited by Labcorp Genetics (formerly Invitae), Labcorp).